The following is an entry in ClinVar:

NM_001035.3(RYR2):c.5707A>T (p.Lys1903Ter)

Gene: RYR2 (ryanodine receptor 2; plus strand). Cytogenetic location: 1q43.
Variant type: single nucleotide variant.
Coding change: c.5707A>T on transcript NM_001035.3 (MANE Select); coding-DNA position 5707, A replaced by T.
Protein change: p.Lys1903Ter; replaces lysine 1903 with a stop codon.
Molecular consequence: nonsense.
Genome position (GRCh38, 1-based): chr1:237,614,835, A>T. VCF-style: chr1-237614835-A-T. GRCh37 (hg19) VCF-style: chr1-237778135-A-T.
Other names: short protein forms K1903*.
Identifiers: ClinVar variation 1318971 (VCV001318971.2), dbSNP rs2148598932, ClinGen allele CA345406049.
Genomic context (GRCh38, chr1:237,614,835, plus strand): 5'-GCCAAGGGGGGCAAGCGGCCCAAGGAAGGCCTGCTCCAAATGAAACTGCCAGAGCCAGTT[A>T]AATTGCAGGTAATCAGAACAAGAGACTTGAGTGAATTTCAGAATTGCTAAGCATTAAGGT-3'

ClinVar aggregate classification (germline): Uncertain significance (1 of 4 stars; one submission).

Submission:

GeneDx
Classification: Uncertain significance. Last evaluated: 2019-12-06. Review status: criteria provided, single submitter. Criteria: GeneDx Variant Classification Process June 2021. Collection method: clinical testing. Allele origin: germline. Affected: yes.
Comment: Not observed in large population cohorts (Lek et al., 2016); Nonsense variant predicted to result in protein truncation or nonsense mediated decay in a gene for which loss-of-function is not a known mechanism of disease; Has not been previously published as pathogenic or benign to our knowledge